The following is an entry in ClinVar:

ClinVar aggregate classification (germline): Uncertain significance (1 of 4 stars; one submission).

Submission:

Women's Health and Genetics/Laboratory Corporation of America, LabCorp
Classification: Uncertain significance. Last evaluated: 2024-02-08. Review status: criteria provided, single submitter. Criteria: LabCorp Variant Classification Summary - May 2015. Collection method: clinical testing. Allele origin: germline.
Comment: Variant summary: NLRP3 c.2641A>G (p.Asn881Asp) results in a conservative amino acid change in the encoded protein sequence. Five of five in-silico tools predict a benign effect of the variant on protein function. The variant was absent in 251478 control chromosomes. The available data on variant occurrences in the general population are insufficient to allow any conclusion about variant significance. To our knowledge, no occurrence of c.2641A>G in individuals affected with Cryopyrin Associated Periodic Syndrome and no experimental evidence demonstrating its impact on protein function have been reported. No submitters have cited clinical-significance assessments for this variant to ClinVar. Based on the evidence outlined above, the variant was classified as uncertain significance.

NM_001243133.2(NLRP3):c.2635A>G (p.Asn879Asp)

Gene: NLRP3 (NLR family pyrin domain containing 3; plus strand). Cytogenetic location: 1q44.
Variant type: single nucleotide variant.
Coding change: c.2635A>G on transcript NM_001243133.2 (MANE Select); coding-DNA position 2635, A replaced by G.
Protein change: p.Asn879Asp; replaces asparagine 879 with aspartic acid.
Molecular consequence: missense variant. On other transcripts: genic downstream transcript variant (2).
Genome position (GRCh38, 1-based): chr1:247,436,112, A>G. VCF-style: chr1-247436112-A-G. GRCh37 (hg19) VCF-style: chr1-247599414-A-G.
Other names: c.2635A>G, p.Asn879Asp (NM_001079821.3); c.2464A>G, p.Asn822Asp (NM_001127462.3); c.2641A>G, p.Asn881Asp (NM_004895.5); c.2492+1839A>G (NM_001127461.3); c.2321+1839A>G (NM_183395.3); short protein forms N822D, N879D, N881D.
Identifiers: ClinVar variation 3069035 (VCV003069035.2), dbSNP rs2527385550, ClinGen allele CA345562426.